The following is an entry in ClinVar:

ClinVar aggregate classification (germline): Uncertain significance (1 of 4 stars; one submission).

gnomAD v4.1: 1 of 1,610,290 alleles (0.000062%); highest among the groups gnomAD compares: East Asian, 0.0022%; no homozygotes.

Submission:

GeneDx
Classification: Uncertain significance. Last evaluated: 2025-04-18. Review status: criteria provided, single submitter. Criteria: GeneDx Variant Classification Process June 2021. Collection method: clinical testing. Allele origin: germline. Affected: yes.
Comment: Not observed at significant frequency in large population cohorts (gnomAD); In silico analysis indicates that this missense variant does not alter protein structure/function; Has not been previously published as pathogenic or benign to our knowledge

NM_018993.4(RIN2):c.1748C>A (p.Pro583His)

Gene: RIN2 (Ras and Rab interactor 2; plus strand). Cytogenetic location: 20p11.23.
Variant type: single nucleotide variant.
Coding change: c.1748C>A on transcript NM_018993.4 (MANE Select); coding-DNA position 1748, C replaced by A.
Protein change: p.Pro583His; replaces proline 583 with histidine.
Molecular consequence: missense variant.
Genome position (GRCh38, 1-based): chr20:19,975,773, C>A. VCF-style: chr20-19975773-C-A. GRCh37 (hg19) VCF-style: chr20-19956417-C-A.
Other names: c.1895C>A, p.Pro632His (NM_001242581.2); c.1130C>A, p.Pro377His (NM_001378238.1); short protein forms P377H, P583H, P632H.
Identifiers: ClinVar variation 4282101 (VCV004282101.1).
Genomic context (GRCh38, chr20:19,975,773, plus strand): 5'-AGGTCAAGAACTATTTGTCTCAGAGCTCGGAGCTGGACCCCCCCATCGAGTCGCTGATCC[C>A]TGAAGACCAAATAGGTAAGTACCCTCTTTTTTAAAATATAAAATCTATTGTAACTCTGTC-3'
Protein context (NP_061866.1, residues 573-593): ELDPPIESLI[Pro583His]EDQIDVVLEK